The following is an entry in ClinVar:

ClinVar aggregate classification (germline): Conflicting classifications of pathogenicity. Review status: criteria provided, conflicting classifications (1 of 4 stars). 8 submissions from 8 submitters: Uncertain significance (4); Benign (1); Likely benign (3). Last evaluated 2026-08-06.

Conditions:
Birt-Hogg-Dube syndrome 1 (BHD1). Also called: FIBROFOLLICULOMAS WITH TRICHODISCOMAS AND ACROCHORDONS. Identifiers: Orphanet 122, MedGen CN375946, MONDO:0800445, OMIM 135150.
FLCN-related disorder. Also called: FLCN-related condition.
Hereditary cancer-predisposing syndrome. Also called: Neoplastic Syndromes, Hereditary; Tumor predisposition; Hereditary Cancer Syndrome; Hereditary neoplastic syndrome. Identifiers: Orphanet 140162, MedGen C0027672, MeSH D009386, MONDO:0015356.
Nonpapillary renal cell carcinoma. Identifiers: Orphanet 422526, MedGen CN074294, MONDO:0007763, OMIM 144700.
Birt-Hogg-Dube syndrome. Also called: Birt Hogg Dubé syndrome. Identifiers: Orphanet 122, MedGen C0346010, MONDO:0800444.

Allele frequency attached by ClinVar (database versions not stated): gnomAD exomes 0.00002 and 0.00005; ExAC 0.00004; gnomAD 0.00004; TOPMed 0.00005.
gnomAD v4.1: 43 of 1,613,540 alleles (0.0027%); highest among the groups gnomAD compares: Admixed American, 0.01%; no homozygotes.

Submissions (8):

OLLIN Analises Genomicas, OLLIN
Classification: Uncertain significance for Nonpapillary renal cell carcinoma. Last evaluated: 2026-08-06. Review status: criteria provided, single submitter. Criteria: ACMG Guidelines 2015 PMID 25741868. Collection method: clinical testing. Allele origin: germline.
Comment: This missense variant, located in exon 4 (of 14), has been reported in ClinVar (accession VCV002706791.3) and in gnomAD with an allele frequency of 0.0027%. However, to our knowledge, it has not been reported in the scientific literature. In silico analysis predicts that this variant has a deleterious effect. According to the currently available evidence, this variant has been classified as uncertain significance (PP3_S, BS1).

Labcorp Genetics (formerly Invitae), Labcorp
Classification: Likely benign for Birt-Hogg-Dube syndrome. Last evaluated: 2026-01-17. Review status: criteria provided, single submitter. Criteria: Invitae Variant Classification Sherloc (09022015). Collection method: clinical testing. Allele origin: germline.

PreventionGenetics, part of Exact Sciences
Classification: Likely benign for FLCN-related condition. Last evaluated: 2025-11-20. Review status: criteria provided, single submitter. Criteria: ACMG Guidelines, 2015. Collection method: clinical testing. Allele origin: germline.
Comment: This variant is classified as likely benign based on ACMG/AMP sequence variant interpretation guidelines (Richards et al. 2015 PMID: 25741868, with internal and published modifications).

Dasa
Classification: Uncertain significance. Last evaluated: 2025-09-27. Review status: criteria provided, single submitter. Criteria: DASA Assertion Criteria. Collection method: clinical testing. Allele origin: germline.
Comment: NM_144997.7(FLCN):c.65C>T (p.Thr22Met) is a missense variant that results in the substitution of threonine with methionine. This variant is rare in population databases. Computational prediction algorithms are consistent with a deleterious effect. The currently available literature and clinical evidence are not sufficient to establish a definitive association between this variant and the reported condition. Therefore, this variant is classified as a variant of uncertain significance.

Center for Genomic Medicine, Rigshospitalet, Copenhagen University Hospital
Classification: Uncertain significance. Last evaluated: 2025-03-04. Review status: criteria provided, single submitter. Criteria: ACMG Guidelines, 2015. Collection method: clinical testing. Allele origin: germline.

Myriad Genetics, Inc.
Classification: Likely benign for Birt-Hogg-Dube syndrome 1. Last evaluated: 2024-10-22. Review status: criteria provided, single submitter. Criteria: Myriad Autosomal Dominant, Autosomal Recessive and X-Linked Classification Criteria (2023). Collection method: clinical testing. Allele origin: unknown.
Comment: This variant is considered likely benign. This variant has been observed at a population frequency that is significantly greater than expected given the associated disease prevalence and penetrance.

GeneDx
Classification: Uncertain significance. Last evaluated: 2023-11-10. Review status: criteria provided, single submitter. Criteria: GeneDx Variant Classification Process June 2021. Collection method: clinical testing. Allele origin: germline. Affected: yes.
Comment: In silico analysis supports that this missense variant has a deleterious effect on protein structure/function; Has not been previously published as pathogenic or benign to our knowledge

Ambry Genetics
Classification: Benign for Hereditary cancer-predisposing syndrome. Last evaluated: 2022-01-04. Review status: criteria provided, single submitter. Criteria: Ambry Variant Classification Scheme 2023. Collection method: clinical testing. Allele origin: germline.

Literature cited by the submitters: PubMed 27220747 (cited by Center for Genomic Medicine, Rigshospitalet, Copenhagen University Hospital); PubMed 37490463 (cited by Center for Genomic Medicine, Rigshospitalet, Copenhagen University Hospital).

NM_144997.7(FLCN):c.65C>T (p.Thr22Met)

Gene: FLCN (folliculin; minus strand). Cytogenetic location: 17p11.2.
Variant type: single nucleotide variant.
Coding change: c.65C>T on transcript NM_144997.7 (MANE Select); coding-DNA position 65, C replaced by T.
Protein change: p.Thr22Met; replaces threonine 22 with methionine.
Molecular consequence: missense variant.
Genome position (GRCh38, 1-based): chr17:17,228,073, G>A on the plus strand (C>T on the coding strand, the complement: FLCN is on the minus strand). VCF-style: chr17-17228073-G-A. GRCh37 (hg19) VCF-style: chr17-17131387-G-A.
Other names: c.65C>T (LRG_325t1); c.65C>T, p.Thr22Met (NM_001353229.2, NM_001353230.2, NM_001353231.2 and 1 more transcripts); short protein forms T22M.
Identifiers: ClinVar variation 409394 (VCV000409394.23), dbSNP rs768734584, ClinGen allele CA8416529.